The following is an entry in ClinVar:

NM_000143.4(FH):c.415G>T (p.Val139Leu)

Gene: FH (fumarate hydratase; minus strand). Cytogenetic location: 1q43.
Variant type: single nucleotide variant.
Coding change: c.415G>T on transcript NM_000143.4 (MANE Select); coding-DNA position 415, G replaced by T.
Protein change: p.Val139Leu; replaces valine 139 with leucine.
Molecular consequence: missense variant.
Genome position (GRCh38, 1-based): chr1:241,512,107, C>A on the plus strand (G>T on the coding strand, the complement: FH is on the minus strand). VCF-style: chr1-241512107-C-A. GRCh37 (hg19) VCF-style: chr1-241675407-C-A.
Other names: short protein forms V139L.
Identifiers: ClinVar variation 2587052 (VCV002587052.2), dbSNP rs200343823, ClinGen allele CA345440152.

ClinVar aggregate classification (germline): Uncertain significance (1 of 4 stars; one submission).

Conditions:
Hereditary cancer-predisposing syndrome. Also called: Hereditary neoplastic syndrome; Tumor predisposition; Hereditary Cancer Syndrome; Neoplastic Syndromes, Hereditary. Identifiers: Orphanet 140162, MedGen C0027672, MeSH D009386, MONDO:0015356.

Submission:

Ambry Genetics
Classification: Uncertain significance for Hereditary cancer-predisposing syndrome. Last evaluated: 2023-06-21. Review status: criteria provided, single submitter. Criteria: Ambry Variant Classification Scheme 2023. Collection method: clinical testing. Allele origin: germline.
Comment: The p.V139L variant (also known as c.415G>T), located in coding exon 4 of the FH gene, results from a G to T substitution at nucleotide position 415. The valine at codon 139 is replaced by leucine, an amino acid with highly similar properties. This amino acid position is highly conserved in available vertebrate species. In addition, this alteration is predicted to be deleterious by in silico analysis. Since supporting evidence is limited at this time, the clinical significance of this alteration remains unclear.